The following is an entry in ClinVar:

ClinVar aggregate classification (germline): Uncertain significance. Review status: criteria provided, multiple submitters, no conflicts (2 of 4 stars). 2 submissions from 2 submitters: Uncertain significance (2). Last evaluated 2026-03-16.

Allele frequency attached by ClinVar (database versions not stated): ExAC 0.00008; ESP Exome Variant Server 0.00015.

Submissions (2):

Women's Health and Genetics/Laboratory Corporation of America, LabCorp
Classification: Uncertain significance. Last evaluated: 2026-03-16. Review status: criteria provided, single submitter. Criteria: LabCorp Variant Classification Summary - May 2015. Collection method: clinical testing. Allele origin: germline.
Comment: Variant summary: AEBP1 c.965C>T (p.Pro322Leu) results in a non-conservative amino acid change in the encoded protein sequence. Algorithms developed to predict the effect of missense changes on protein structure and function are either unavailable or do not agree on the potential impact of this missense change. The variant allele was found at a frequency of 3.2e-05 in 216404 control chromosomes. The available data on variant occurrences in the general population are insufficient to allow any conclusion about variant significance. To our knowledge, no occurrence of c.965C>T in individuals affected with AEBP1-related conditions and no experimental evidence demonstrating its impact on protein function have been reported. ClinVar contains an entry for this variant (Variation ID: 2188895). Based on the evidence outlined above, the variant was classified as uncertain significance.

Labcorp Genetics (formerly Invitae), Labcorp
Classification: Uncertain significance. Last evaluated: 2022-03-26. Review status: criteria provided, single submitter. Criteria: Invitae Variant Classification Sherloc (09022015). Collection method: clinical testing. Allele origin: germline.
Comment: This sequence change replaces proline, which is neutral and non-polar, with leucine, which is neutral and non-polar, at codon 322 of the AEBP1 protein (p.Pro322Leu). The frequency data for this variant in the population databases is considered unreliable, as metrics indicate poor data quality at this position in the gnomAD database. This variant has not been reported in the literature in individuals affected with AEBP1-related conditions. Algorithms developed to predict the effect of missense changes on protein structure and function (SIFT, PolyPhen-2, Align-GVGD) all suggest that this variant is likely to be tolerated. In summary, the available evidence is currently insufficient to determine the role of this variant in disease. Therefore, it has been classified as a Variant of Uncertain Significance.

NM_001129.5(AEBP1):c.965C>T (p.Pro322Leu)

Gene: AEBP1 (AE binding protein 1; plus strand). Cytogenetic location: 7p13.
Variant type: single nucleotide variant.
Coding change: c.965C>T on transcript NM_001129.5 (MANE Select); coding-DNA position 965, C replaced by T.
Protein change: p.Pro322Leu; replaces proline 322 with leucine.
Molecular consequence: missense variant.
Genome position (GRCh38, 1-based): chr7:44,108,923, C>T. VCF-style: chr7-44108923-C-T. GRCh37 (hg19) VCF-style: chr7-44148522-C-T.
Other names: short protein forms P322L.
Identifiers: ClinVar variation 2188895 (VCV002188895.5), dbSNP rs141003956, ClinGen allele CA4237693.